The following is an entry in ClinVar:

NM_020911.2(PLXNA4):c.1728+10G>A

Gene: PLXNA4 (plexin A4; minus strand). Cytogenetic location: 7q32.3.
Variant type: single nucleotide variant.
Coding change: c.1728+10G>A on transcript NM_020911.2 (MANE Select); 10 bases into the intron after coding-DNA position 1728, G replaced by A.
Molecular consequence: intron variant.
Genome position (GRCh38, 1-based): chr7:132,228,336, C>T on the plus strand (G>A on the coding strand, the complement: PLXNA4 is on the minus strand). VCF-style: chr7-132228336-C-T. GRCh37 (hg19) VCF-style: chr7-131913095-C-T.
Other names: c.1728+10G>A (NM_001393897.1).
Identifiers: ClinVar variation 4978178 (VCV004978178.1).
Genomic context (GRCh38, chr7:132,228,336, plus strand): 5'-AGGCACTTTTTAGTGAGGGGAGAGTTTTCCTTGCATCCCTGGACCCCACCCCAACCCCCA[C>T]GACCCTTACCAGCACGTTGTACTGAGAGACGGAGATATTGTTGGGATGGACCGTCAGCCG-3'

ClinVar aggregate classification (germline): Likely benign (1 of 4 stars; one submission).

Conditions:
PLXNA4-related disorder. Also called: PLXNA4-related condition.

gnomAD v4.1: 51 of 1,613,860 alleles (0.0032%); highest among the groups gnomAD compares: Non-Finnish European, 0.0039%; no homozygotes.

Submission:

PreventionGenetics, part of Exact Sciences
Classification: Likely benign for PLXNA4-related condition. Last evaluated: 2025-10-17. Review status: criteria provided, single submitter. Criteria: ACMG Guidelines, 2015. Collection method: clinical testing. Allele origin: germline.
Comment: This variant is classified as likely benign based on ACMG/AMP sequence variant interpretation guidelines (Richards et al. 2015 PMID: 25741868, with internal and published modifications).